The following is an entry in ClinVar:

ClinVar aggregate classification (germline): Uncertain significance (1 of 4 stars; one submission).

Allele frequency attached by ClinVar (database versions not stated): TOPMed 0.00001; gnomAD 0.00002.

Submission:

GeneDx
Classification: Uncertain significance. Last evaluated: 2022-08-22. Review status: criteria provided, single submitter. Criteria: GeneDx Variant Classification Process June 2021. Collection method: clinical testing. Allele origin: germline. Affected: yes.
Comment: Not observed at significant frequency in large population cohorts (gnomAD); In silico analysis supports that this missense variant does not alter protein structure/function; Has not been previously published as pathogenic or benign to our knowledge

NM_001009944.3(PKD1):c.1104G>C (p.Gln368His)

Gene: PKD1 (polycystin 1, transient receptor potential channel interacting; minus strand). Cytogenetic location: 16p13.3.
Variant type: single nucleotide variant.
Coding change: c.1104G>C on transcript NM_001009944.3 (MANE Select); coding-DNA position 1104, G replaced by C.
Protein change: p.Gln368His; replaces glutamine 368 with histidine.
Molecular consequence: missense variant.
Genome position (GRCh38, 1-based): chr16:2,117,888, C>G on the plus strand (G>C on the coding strand, the complement: PKD1 is on the minus strand). VCF-style: chr16-2117888-C-G. GRCh37 (hg19) VCF-style: chr16-2167889-C-G.
Other names: c.1104G>C, p.Gln368His (NM_000296.4); short protein forms Q368H.
Identifiers: ClinVar variation 2430494 (VCV002430494.1), dbSNP rs1367464817, ClinGen allele CA394393398.
Genomic context (GRCh38, chr16:2,117,888, plus strand): 5'-GGCGGCCTCCAGGCCTGAACCACCGCGGTTCTGGATGCTGAGGTCGAGGCTCTCGTCACT[C>G]TGCACCGAGGACGGGCACACGAGCTCCAGGGCGGCAGGTGCCGCTTCCACCTGCACGTCT-3'
Protein context (NP_001009944.3, residues 358-378): ALELVCPSSV[Gln368His]SDESLDLSIQ